The following is an entry in ClinVar:

ClinVar aggregate classification (germline): Conflicting classifications of pathogenicity. Review status: criteria provided, conflicting classifications (1 of 4 stars). 7 submissions from 7 submitters: Uncertain significance (4); Benign (1); Likely benign (1). 1 of the submissions does not count toward it. Last evaluated 2025-09-19.

Conditions:
Hereditary cancer-predisposing syndrome. Also called: Hereditary Cancer Syndrome; Hereditary neoplastic syndrome; Neoplastic Syndromes, Hereditary; Tumor predisposition. Identifiers: Orphanet 140162, MedGen C0027672, MeSH D009386, MONDO:0015356.
Hereditary breast ovarian cancer syndrome. Also called: BRCA1- and BRCA2-Associated Hereditary Breast and Ovarian Cancer; Hereditary breast and ovarian cancer syndrome; Hereditary breast and ovarian cancer syndrome (HBOC); Breast and ovarian cancer; Hereditary breast and/or ovarian cancer syndrome; Hereditary breast and ovarian cancer. Identifiers: Orphanet 145, MedGen C0677776, MeSH D061325, MONDO:0003582. Disease mechanism: loss of function.
Breast-ovarian cancer, familial, susceptibility to, 1 (BROVCA1). Also called: BRCA1 Hereditary Breast and Ovarian Cancer; OVARIAN CANCER, SUSCEPTIBILITY TO. Identifiers: Orphanet 145, MedGen C2676676, MONDO:0011450, OMIM 604370. Disease mechanism: loss of function.

Allele frequency attached by ClinVar (database versions not stated): TOPMed below 0.00001.

Submissions (7):

Women's Health and Genetics/Laboratory Corporation of America, LabCorp
Classification: Uncertain significance. Last evaluated: 2025-09-19. Review status: criteria provided, single submitter. Criteria: LabCorp Variant Classification Summary - May 2015. Collection method: clinical testing. Allele origin: germline.
Comment: Variant summary: BRCA1 c.3607C>G (p.Arg1203Gly) results in a non-conservative amino acid change in the encoded protein sequence. Algorithms developed to predict the effect of missense changes on protein structure and function are either unavailable or do not agree on the potential impact of this missense change. The variant was absent in 251014 control chromosomes. The available data on variant occurrences in the general population are insufficient to allow any conclusion about variant significance. c.3607C>G has been observed in individual(s) affected with Hereditary Breast And Ovarian Cancer Syndrome (eg. Bhaskaran_2019, Urbina-Jara_2021). These report(s) do not provide unequivocal conclusions about association of the variant with Hereditary Breast And Ovarian Cancer Syndrome. To our knowledge, no experimental evidence demonstrating an impact on protein function has been reported. The following publications have been ascertained in the context of this evaluation (PMID: 30702160, 34884835). ClinVar contains an entry for this variant (Variation ID: 54934). Based on the evidence outlined above, the variant was classified as uncertain significance.

Labcorp Genetics (formerly Invitae), Labcorp
Classification: Benign for Hereditary breast ovarian cancer syndrome. Last evaluated: 2025-08-06. Review status: criteria provided, single submitter. Criteria: Invitae Variant Classification Sherloc (09022015). Collection method: clinical testing. Allele origin: germline.

Ambry Genetics
Classification: Uncertain significance for Hereditary cancer-predisposing syndrome. Last evaluated: 2023-10-24. Review status: criteria provided, single submitter. Criteria: Ambry Variant Classification Scheme 2023. Collection method: clinical testing. Allele origin: germline.
Comment: The p.R1203G variant (also known as c.3607C>G), located in coding exon 9 of the BRCA1 gene, results from a C to G substitution at nucleotide position 3607. The arginine at codon 1203 is replaced by glycine, an amino acid with dissimilar properties. This amino acid position is poorly conserved in available vertebrate species. In addition, the in silico prediction for this alteration is inconclusive. Since supporting evidence is limited at this time, the clinical significance of this alteration remains unclear.

University of Washington Department of Laboratory Medicine, University of Washington
Classification: Likely benign for Hereditary cancer-predisposing syndrome. Last evaluated: 2023-03-23. Review status: criteria provided, single submitter. Criteria: Dines et al. (Genet Med. 2020). Collection method: curation. Allele origin: germline.
Comment: Missense variant in a coldspot region where missense variants are very unlikely to be pathogenic (PMID:31911673).

BRCA1 coldspot (exon 11 using historical exon numbering). Reclassification based on statistical prior probability

Sema4
Classification: Uncertain significance for Hereditary cancer-predisposing syndrome. Last evaluated: 2021-07-16. Review status: criteria provided, single submitter. Criteria: Sema4 Curation Guidelines. Collection method: curation. Allele origin: germline.
Comment: The BRCA1 c.3607C>G (p.R1203G) variant has been reported in heterozygosity in at least two individuals with breast cancer (PMID: 17445839, 30702160, 31825140). It was not observed in the large and broad cohorts of the Genome Aggregation Database. The variant has been reported in ClinVar (Variation ID 54934). Functional studies have not been performed, and in silico predictions of the variant's effect on protein function are inconclusive. The evidence is insufficient to meet ACMG/AMP criteria for classifying the variant as benign or pathogenic. Thus, the clinical significance of this variant is currently uncertain.

Color Diagnostics, LLC DBA Color Health
Classification: Uncertain significance for Hereditary cancer-predisposing syndrome. Last evaluated: 2021-03-23. Review status: criteria provided, single submitter. Criteria: ACMG Guidelines, 2015. Collection method: clinical testing. Allele origin: germline.
Comment: This missense variant replaces arginine with glycine at codon 1203 of the BRCA1 protein. Computational prediction suggests that this variant may not impact protein structure and function (internally defined REVEL score threshold <= 0.5, PMID: 27666373). To our knowledge, functional studies have not been reported for this variant. This variant has been detected in an individual affected with breast cancer (PMID: 17445839). This variant has not been identified in the general population by the Genome Aggregation Database (gnomAD). The available evidence is insufficient to determine the role of this variant in disease conclusively. Therefore, this variant is classified as a Variant of Uncertain Significance.

Breast Cancer Information Core (BIC) (BRCA1)
Classification: Uncertain significance for Breast-ovarian cancer, familial 1. Last evaluated: 2005-05-26. Review status: no assertion criteria provided. Collection method: clinical testing. Allele origin: somatic. Affected: yes. Observed: 1 variant allele. Not counted in ClinVar's aggregate classification.

Literature cited by the submitters: PubMed 30702160 (cited by Women's Health and Genetics/Laboratory Corporation of America, LabCorp and Sema4); PubMed 34884835 (cited by Women's Health and Genetics/Laboratory Corporation of America, LabCorp); PubMed 17445839 (cited by Ambry Genetics and Sema4); PubMed 31825140 (cited by Sema4).

NM_007294.4(BRCA1):c.3607C>G (p.Arg1203Gly)

Genes: BRCA1 (BRCA1 DNA repair associated; minus strand), LOC126862571 (BRD4-independent group 4 enhancer GRCh37_chr17:41243136-41244335; plus strand). Cytogenetic location: 17q21.31.
Variant type: single nucleotide variant.
Coding change: c.3607C>G on transcript NM_007294.4 (MANE Select); coding-DNA position 3607, C replaced by G.
Protein change: p.Arg1203Gly; replaces arginine 1203 with glycine.
Molecular consequence: missense variant. On other transcripts: intron variant (135).
Genome position (GRCh38, 1-based): chr17:43,091,924, G>C on the plus strand (C>G on the coding strand, the complement: BRCA1 is on the minus strand). VCF-style: chr17-43091924-G-C. GRCh37 (hg19) VCF-style: chr17-41243941-G-C.
Other names: c.3463C>G, p.Arg1155Gly (NM_001407839.1, NM_001407841.1, NM_001407842.1 and 20 more transcripts); c.3466C>G, p.Arg1156Gly (NM_001407850.1, NM_001407851.1, NM_001407852.1 and 29 more transcripts); c.3394C>G, p.Arg1132Gly (NM_001407853.1, NM_001407894.1, NM_001407895.1 and 9 more transcripts); c.3607C>G, p.Arg1203Gly (NM_001407854.1, NM_001407858.1, NM_001407859.1 and 30 more transcripts); c.3604C>G, p.Arg1202Gly (NM_001407860.1, NM_001407861.1, NM_001407587.1 and 22 more transcripts); c.3406C>G, p.Arg1136Gly (NM_001407862.1); c.3484C>G, p.Arg1162Gly (NM_001407863.1, NM_001407919.1, NM_001407937.1 and 19 more transcripts); c.3403C>G, p.Arg1135Gly (NM_001407874.1, NM_001407875.1); and 41 more; short protein forms R1203G, R1156G, R1155G, R1176G, R1035G, R1114G, R1115G, R1133G.
Identifiers: ClinVar variation 54934 (VCV000054934.29), dbSNP rs62625308, ClinGen allele CA002304.
Genomic context (GRCh38, chr17:43,091,924, plus strand): 5'-GCTCTTCATCCTCACTAGATAAGTTCTCTTCTGAGGACTCTAATTTCTTGGCCCCTCTTC[G>C]GTAACCCTGAGCCAAATGTGTATGGGTGAAAGGGCTAGGACTCCTGCTAAGCTCTCCTTT-3'
Protein context (NP_009225.1, residues 1193-1213): FTHTHLAQGY[Arg1203Gly]RGAKKLESSE